The following is an entry in ClinVar:

NM_001368809.2(AMPD2):c.1003C>T (p.His335Tyr)

Genes: AMPD2 (adenosine monophosphate deaminase 2; plus strand), LOC126805822 (BRD4-independent group 4 enhancer GRCh37_chr1:110170748-110171947; plus strand). Cytogenetic location: 1p13.3.
Variant type: single nucleotide variant.
Coding change: c.1003C>T on transcript NM_001368809.2 (MANE Select); coding-DNA position 1003, C replaced by T.
Protein change: p.His335Tyr; replaces histidine 335 with tyrosine.
Molecular consequence: missense variant.
Genome position (GRCh38, 1-based): chr1:109,627,826, C>T. VCF-style: chr1-109627826-C-T. GRCh37 (hg19) VCF-style: chr1-110170448-C-T.
Other names: c.1003C>T, p.His335Tyr (NM_004037.9); c.922C>T, p.His308Tyr (NM_139156.4); c.811C>T, p.His271Tyr (NM_001257361.2); c.940C>T, p.His314Tyr (NM_001308170.1); short protein forms H271Y, H308Y, H314Y, H335Y.
Identifiers: ClinVar variation 4533379 (VCV004533379.2).

ClinVar aggregate classification (germline): Uncertain significance (1 of 4 stars; one submission).

Conditions:
Hereditary spastic paraplegia 63. Also called: Spastic paraplegia 63, autosomal recessive. Identifiers: Orphanet 401805, MedGen C3810295, MONDO:0014305, OMIM 615686.

Submission:

Genetic Foundation of Khorasan Razavi (GFKR)
Classification: Uncertain significance for Hereditary spastic paraplegia 63. Review status: criteria provided, single submitter. Criteria: ACMG Guidelines, 2015. Collection method: clinical testing. Allele origin: inherited. Inheritance: Autosomal recessive inheritance. Affected: yes. Observed: 1 homozygote.
Comment: This variant is absent from population databases, consistent with rarity expected for a pathogenic allele. The gene has a low rate of benign missense variation, and multiple in silico prediction tools support a deleterious effect on protein function.